The following is an entry in ClinVar:

ClinVar aggregate classification (germline): Uncertain significance. Review status: criteria provided, multiple submitters, no conflicts (2 of 4 stars). 2 submissions from 2 submitters: Uncertain significance (2). Last evaluated 2025-03-08.

Conditions:
Inborn genetic diseases. Identifiers: MedGen C0950123, MeSH D030342.

Allele frequency attached by ClinVar (database versions not stated): ExAC 0.00001; gnomAD 0.00002; TOPMed 0.00002; 1000 Genomes Project 0.00020; 1000 Genomes Project 30x 0.00031.
gnomAD v4.1: 21 of 1,613,530 alleles (0.0013%); highest among the groups gnomAD compares: Admixed American, 0.005%; no homozygotes.

Submissions (2):

Ambry Genetics
Classification: Uncertain significance for Inborn genetic diseases. Last evaluated: 2025-03-08. Review status: criteria provided, single submitter. Criteria: Ambry Variant Classification Scheme 2023. Collection method: clinical testing. Allele origin: germline.

Labcorp Genetics (formerly Invitae), Labcorp
Classification: Uncertain significance. Last evaluated: 2022-03-01. Review status: criteria provided, single submitter. Criteria: Invitae Variant Classification Sherloc (09022015). Collection method: clinical testing. Allele origin: germline.
Comment: This sequence change replaces arginine, which is basic and polar, with histidine, which is basic and polar, at codon 499 of the MYSM1 protein (p.Arg499His). This variant is present in population databases (rs199719141, gnomAD 0.007%). This variant has not been reported in the literature in individuals affected with MYSM1-related conditions. Algorithms developed to predict the effect of missense changes on protein structure and function (SIFT, PolyPhen-2, Align-GVGD) all suggest that this variant is likely to be disruptive. In summary, the available evidence is currently insufficient to determine the role of this variant in disease. Therefore, it has been classified as a Variant of Uncertain Significance.

NM_001085487.3(MYSM1):c.1496G>A (p.Arg499His)

Gene: MYSM1 (Myb like, SWIRM and MPN domains 1; minus strand). Cytogenetic location: 1p32.1.
Variant type: single nucleotide variant.
Coding change: c.1496G>A on transcript NM_001085487.3 (MANE Select); coding-DNA position 1496, G replaced by A.
Protein change: p.Arg499His; replaces arginine 499 with histidine.
Molecular consequence: missense variant.
Genome position (GRCh38, 1-based): chr1:58,673,649, C>T on the plus strand (G>A on the coding strand, the complement: MYSM1 is on the minus strand). VCF-style: chr1-58673649-C-T. GRCh37 (hg19) VCF-style: chr1-59139321-C-T.
Other names: c.1496G>A (NM_001085487.2); short protein forms R499H.
Identifiers: ClinVar variation 1964800 (VCV001964800.3), dbSNP rs199719141, ClinGen allele CA877783.